The following is an entry in ClinVar:

ClinVar aggregate classification (germline): Uncertain significance. Review status: criteria provided, multiple submitters, no conflicts (2 of 4 stars). 2 submissions from 2 submitters: Uncertain significance (2). Last evaluated 2024-08-19.

Conditions:
Glycogen storage disease, type II (IOPD). Also called: Glucosidase acid-1,4-alpha deficiency; GSD II; POMPE DISEASE, INFANTILE-ONSET; GLYCOGEN STORAGE DISEASE II, INFANTILE-ONSET; ACID ALPHA-GLUCOSIDASE DEFICIENCY, INFANTILE-ONSET; GAA DEFICIENCY, INFANTILE-ONSET. Identifiers: Orphanet 365, MedGen C0017921, MONDO:0009290, OMIM 232300.

Allele frequency attached by ClinVar (database versions not stated): gnomAD exomes below 0.00001 and 0.00001.
gnomAD v4.1: 7 of 1,613,924 alleles (0.00043%); highest among the groups gnomAD compares: Non-Finnish European, 0.00059%; no homozygotes.

Submissions (2):

Revvity Omics, Revvity
Classification: Uncertain significance. Last evaluated: 2024-08-19. Review status: criteria provided, single submitter. Criteria: ACMG Guidelines, 2015. Collection method: clinical testing. Allele origin: germline.

Labcorp Genetics (formerly Invitae), Labcorp
Classification: Uncertain significance for Glycogen storage disease, type II. Last evaluated: 2022-05-27. Review status: criteria provided, single submitter. Criteria: Invitae Variant Classification Sherloc (09022015). Collection method: clinical testing. Allele origin: germline.
Comment: This sequence change replaces asparagine, which is neutral and polar, with lysine, which is basic and polar, at codon 535 of the GAA protein (p.Asn535Lys). This variant is present in population databases (no rsID available, gnomAD 0.0009%). This variant has not been reported in the literature in individuals affected with GAA-related conditions. ClinVar contains an entry for this variant (Variation ID: 955958). Advanced modeling of protein sequence and biophysical properties (such as structural, functional, and spatial information, amino acid conservation, physicochemical variation, residue mobility, and thermodynamic stability) performed at Invitae indicates that this missense variant is not expected to disrupt GAA protein function. In summary, the available evidence is currently insufficient to determine the role of this variant in disease. Therefore, it has been classified as a Variant of Uncertain Significance.

NM_000152.5(GAA):c.1605C>A (p.Asn535Lys)

Gene: GAA (alpha glucosidase; plus strand). Cytogenetic location: 17q25.3.
Variant type: single nucleotide variant.
Coding change: c.1605C>A on transcript NM_000152.5 (MANE Select); coding-DNA position 1605, C replaced by A.
Protein change: p.Asn535Lys; replaces asparagine 535 with lysine.
Molecular consequence: missense variant.
Genome position (GRCh38, 1-based): chr17:80,110,994, C>A. VCF-style: chr17-80110994-C-A. GRCh37 (hg19) VCF-style: chr17-78084793-C-A.
Other names: c.1605C>A, p.Asn535Lys (NM_001079803.3, NM_001079804.3); short protein forms N535K.
Identifiers: ClinVar variation 955958 (VCV000955958.8), dbSNP rs1351247900, ClinGen allele CA401367299.